The following is an entry in ClinVar:

ClinVar aggregate classification (germline): Likely pathogenic (1 of 4 stars; one submission).

Conditions:
Spermatogenic failure 23. Identifiers: MedGen C4540185, MONDO:0054727, OMIM 617707.

Submission:

First Genomix Gene Laboratory, Genetic Diagnostics Department
Classification: Likely pathogenic for Spermatogenic failure 23. Last evaluated: 2025-07-15. Review status: criteria provided, single submitter. Criteria: ACMG Guidelines, 2015. Collection method: clinical testing. Allele origin: germline. Inheritance: Autosomal recessive inheritance. Affected: no. Observed: 1 variant allele.

NM_031272.5(TEX14):c.2943G>A (p.Trp981Ter)

Gene: TEX14 (testis expressed 14, intercellular bridge forming factor; minus strand). Cytogenetic location: 17q22.
Variant type: single nucleotide variant.
Coding change: c.2943G>A on transcript NM_031272.5 (MANE Select); coding-DNA position 2943, G replaced by A.
Protein change: p.Trp981Ter; replaces tryptophan 981 with a stop codon.
Molecular consequence: nonsense.
Genome position (GRCh38, 1-based): chr17:58,585,928, C>T on the plus strand (G>A on the coding strand, the complement: TEX14 is on the minus strand). VCF-style: chr17-58585928-C-T. GRCh37 (hg19) VCF-style: chr17-56663289-C-T.
Other names: c.2961G>A, p.Trp987Ter (NM_001201457.2); c.2943G>A, p.Trp981Ter (NM_198393.4); short protein forms W981*, W987*.
Identifiers: ClinVar variation 4849375 (VCV004849375.1).